The following is an entry in ClinVar:

ClinVar aggregate classification (germline): Uncertain significance. Review status: criteria provided, multiple submitters, no conflicts (2 of 4 stars). 2 submissions from 2 submitters: Uncertain significance (2). Last evaluated 2025-07-18.

gnomAD v4.1: 2 of 1,209,156 alleles (0.00017%); highest among the groups gnomAD compares: Non-Finnish European, 0.00022%; no homozygotes.

Submissions (2):

GeneDx
Classification: Uncertain significance. Last evaluated: 2025-07-18. Review status: criteria provided, single submitter. Criteria: GeneDx Variant Classification Process June 2021. Collection method: clinical testing. Allele origin: germline. Affected: yes.
Comment: Not observed at significant frequency in large population cohorts (gnomAD); In silico analysis supports that this missense variant has a deleterious effect on protein structure/function; Has not been previously published as pathogenic or benign to our knowledge

Labcorp Genetics (formerly Invitae), Labcorp
Classification: Uncertain significance. Last evaluated: 2024-08-12. Review status: criteria provided, single submitter. Criteria: Invitae Variant Classification Sherloc (09022015). Collection method: clinical testing. Allele origin: germline.
Comment: This sequence change replaces arginine, which is basic and polar, with cysteine, which is neutral and slightly polar, at codon 294 of the MSN protein (p.Arg294Cys). This variant is not present in population databases (gnomAD no frequency). This variant has not been reported in the literature in individuals affected with MSN-related conditions. ClinVar contains an entry for this variant (Variation ID: 1432000). An algorithm developed to predict the effect of missense changes on protein structure and function (PolyPhen-2) suggests that this variant is likely to be disruptive. In summary, the available evidence is currently insufficient to determine the role of this variant in disease. Therefore, it has been classified as a Variant of Uncertain Significance.

NM_002444.3(MSN):c.880C>T (p.Arg294Cys)

Gene: MSN (moesin; plus strand). Cytogenetic location: Xq12.
Variant type: single nucleotide variant.
Coding change: c.880C>T on transcript NM_002444.3 (MANE Select); coding-DNA position 880, C replaced by T.
Protein change: p.Arg294Cys; replaces arginine 294 with cysteine.
Molecular consequence: missense variant.
Genome position (GRCh38, 1-based): chrX:65,735,351, C>T. VCF-style: chrX-65735351-C-T. GRCh37 (hg19) VCF-style: chrX-64955213-C-T.
Other names: c.880C>T (NM_002444.2); short protein forms R294C.
Identifiers: ClinVar variation 1432000 (VCV001432000.9), dbSNP rs2147516915, ClinGen allele CA413412710.